The following is an entry in ClinVar:

NM_000083.3(CLCN1):c.751del (p.Ser251fs)

Gene: CLCN1 (chloride voltage-gated channel 1; plus strand). Cytogenetic location: 7q34.
Variant type: Deletion.
Coding change: c.751del on transcript NM_000083.3 (MANE Select); coding-DNA position 751, one base deleted (T; older notation c.751delT).
Protein change: p.Ser251fs; shifts the reading frame from serine 251.
Molecular consequence: frameshift variant. On other transcripts: non-coding transcript variant (1).
Genome position (GRCh38, 1-based): chr7:143,323,363, T deleted. VCF-style (leftmost placement, unchanged base first): chr7-143323362-GT-G. GRCh37 (hg19) VCF-style: chr7-143020455-GT-G.
Other names: short protein forms S251fs.
Identifiers: ClinVar variation 657105 (VCV000657105.6), dbSNP rs1586487826, ClinGen allele CA915945541.
Genomic context (GRCh38, chr7:143,323,362, plus strand): 5'-CTCCCAGGGCCCCTTCGTCCACATTGCCAGCATCTGTGCTGCTGTCCTCAGCAAATTCAT[GT>G]CTGTGTTCTGCGGGGTATATGAGGTAAGGTTGAGACAGTGAAATGAGCTGGGGCCAGGTG-3'

ClinVar aggregate classification (germline): Pathogenic (1 of 4 stars; one submission).

Conditions:
Congenital myotonia, autosomal dominant form (THD). Also called: THOMSEN DISEASE; Myotonia congenita autosomal dominant. Identifiers: Orphanet 614, MedGen C2936781, MONDO:0008055, OMIM 160800.
Congenital myotonia, autosomal recessive form. Also called: BECKER DISEASE; Becker Generalized Myotonia; myotonia congenita, autosomal recessive. Identifiers: Orphanet 614, MedGen C0751360, MONDO:0009715, OMIM 255700.

Submission:

Labcorp Genetics (formerly Invitae), Labcorp
Classification: Pathogenic for Congenital myotonia, autosomal recessive form; Congenital myotonia, autosomal dominant form. Last evaluated: 2021-11-07. Review status: criteria provided, single submitter. Criteria: Invitae Variant Classification Sherloc (09022015). Collection method: clinical testing. Allele origin: germline.
Comment: For these reasons, this variant has been classified as Pathogenic. ClinVar contains an entry for this variant (Variation ID: 657105). This premature translational stop signal has been observed in individual(s) with clinical features of myotonia congenita (PMID: 32721234). This variant is not present in population databases (gnomAD no frequency). This sequence change creates a premature translational stop signal (p.Ser251Leufs*17) in the CLCN1 gene. It is expected to result in an absent or disrupted protein product. Loss-of-function variants in CLCN1 are known to be pathogenic (PMID: 17932099, 22094069, 23739125).

Literature cited by the submitters: PubMed 32721234; PubMed 17932099; PubMed 22094069; PubMed 23739125.